The following is an entry in ClinVar:

NM_016653.3(MAP3K20):c.905G>A (p.Ser302Asn)

Genes: MAP3K20 (mitogen-activated protein kinase kinase kinase 20; plus strand), MAP3K20-AS1 (MAP3K20 antisense RNA 1; minus strand). Cytogenetic location: 2q31.1.
Variant type: single nucleotide variant.
Coding change: c.905G>A on transcript NM_016653.3 (MANE Select); coding-DNA position 905, G replaced by A.
Protein change: p.Ser302Asn; replaces serine 302 with asparagine.
Molecular consequence: missense variant.
Genome position (GRCh38, 1-based): chr2:173,217,168, G>A. VCF-style: chr2-173217168-G-A. GRCh37 (hg19) VCF-style: chr2-174081896-G-A.
Other names: c.905G>A, p.Ser302Asn (NM_133646.3); short protein forms S302N.
Identifiers: ClinVar variation 2172069 (VCV002172069.4), dbSNP rs1010237929, ClinGen allele CA349314169.
Genomic context (GRCh38, chr2:173,217,168, plus strand): 5'-CGTGCAGGTGCGAAATTGAGGCAACTCTTGAGAGGCTAAAGAAACTAGAGCGTGATCTCA[G>A]CTTTAAGGAGCAGGAGCTTAAAGAACGAGAAAGACGTTTAAAGATGTGGGAGCAAAAGCT-3'
Protein context (NP_057737.2, residues 292-312): ERLKKLERDL[Ser302Asn]FKEQELKERE

ClinVar aggregate classification (germline): Uncertain significance (1 of 4 stars; one submission).

gnomAD v4.1: 6 of 1,607,288 alleles (0.00037%); highest among the groups gnomAD compares: Middle Eastern, 0.016%; no homozygotes.

Submission:

Labcorp Genetics (formerly Invitae), Labcorp
Classification: Uncertain significance. Last evaluated: 2022-03-04. Review status: criteria provided, single submitter. Criteria: Invitae Variant Classification Sherloc (09022015). Collection method: clinical testing. Allele origin: germline.
Comment: This sequence change replaces serine, which is neutral and polar, with asparagine, which is neutral and polar, at codon 302 of the MAP3K20 protein (p.Ser302Asn). In summary, the available evidence is currently insufficient to determine the role of this variant in disease. Therefore, it has been classified as a Variant of Uncertain Significance. Experimental studies and prediction algorithms are not available or were not evaluated, and the functional significance of this variant is currently unknown. This variant has not been reported in the literature in individuals affected with MAP3K20-related conditions. This variant is not present in population databases (gnomAD no frequency).